The following is an entry in ClinVar:

NC_000002.11:g.(?_73830348)_(73836739_?)del

Gene: ALMS1 (ALMS1 centrosome and basal body associated protein; plus strand). Cytogenetic location: 2p13.1.
Variant type: Deletion.
Identifiers: ClinVar variation 2426081 (VCV002426081.3).

ClinVar aggregate classification (germline): Uncertain significance (1 of 4 stars; one submission).

Conditions:
Alstrom syndrome (ALMS). Identifiers: Orphanet 64, MedGen C0268425, MONDO:0008763, OMIM 203800.

Submission:

Labcorp Genetics (formerly Invitae), Labcorp
Classification: Uncertain significance for Alstrom syndrome. Last evaluated: 2022-06-10. Review status: criteria provided, single submitter. Criteria: Invitae Variant Classification Sherloc (09022015). Collection method: clinical testing. Allele origin: germline.
Comment: This variant is a gross deletion of the genomic region encompassing exon(s) 21-23 of the ALMS1 gene, which includes the termination codon. This deletion extends beyond the assayed region for this gene and therefore may encompass additional genes. While this deletion is not anticipated to lead to nonsense mediated decay, it is expected to alter mRNA translation or result in a truncated protein product. This variant has not been reported in the literature in individuals affected with ALMS1-related conditions. Experimental studies and prediction algorithms are not available or were not evaluated, and the functional significance of this variant is currently unknown. In summary, the available evidence is currently insufficient to determine the role of this variant in disease. Therefore, it has been classified as a Variant of Uncertain Significance.